The following is an entry in ClinVar:

NM_198253.3(TERT):c.2053_2055del (p.Asp685del)

Gene: TERT (telomerase reverse transcriptase; minus strand). Cytogenetic location: 5p15.33.
Variant type: Deletion.
Coding change: c.2053_2055del on transcript NM_198253.3 (MANE Select); coding-DNA positions 2053 to 2055, 3 bases deleted (GAT; older notation c.2053_2055delGAT).
Protein change: p.Asp685del; deletes aspartic acid 685.
Molecular consequence: inframe deletion. On other transcripts: inframe indel (1), non-coding transcript variant (2).
Genome position (GRCh38, 1-based): chr5:1,279,366-1,279,368, ATC deleted on the plus strand (GAT on the coding strand, the reverse complement: TERT is on the minus strand). VCF-style (leftmost placement, unchanged base first): chr5-1279365-TATC-T. GRCh37 (hg19) VCF-style: chr5-1279480-TATC-T.
Other names: c.2053_2055del, p.Asp685del (NM_001193376.3); c.2053_2055delGAT, p.Asp685del (NM_003219.1); short protein forms D685del.
Identifiers: ClinVar variation 3237356 (VCV003237356.2), dbSNP rs2478275619.

ClinVar aggregate classification (germline): Pathogenic (1 of 4 stars; one submission).

Conditions:
Pulmonary fibrosis and/or bone marrow failure, Telomere-related, 1. Also called: PULMONARY FIBROSIS AND/OR BONE MARROW FAILURE SYNDROME, TELOMERE-RELATED, 1. Identifiers: Orphanet 88, MedGen C3553617, MONDO:0013878, OMIM 614742.

Submission:

Dept. of Cytogenetics, ICMR- National Institute of Immunohaematology
Classification: Pathogenic for Pulmonary fibrosis and/or bone marrow failure, Telomere-related, 1. Review status: criteria provided, single submitter. Criteria: ACMG Guidelines, 2015. Collection method: clinical testing. Allele origin: inherited. Affected: yes. Observed: 1 variant allele.
Comment: Identified in Compound heterozygous condition